The following is an entry in ClinVar:

NM_052876.4(NACC1):c.641A>G (p.Asn214Ser)

Gene: NACC1 (nucleus accumbens associated 1; plus strand). Cytogenetic location: 19p13.13.
Variant type: single nucleotide variant.
Coding change: c.641A>G on transcript NM_052876.4 (MANE Select); coding-DNA position 641, A replaced by G.
Protein change: p.Asn214Ser; replaces asparagine 214 with serine.
Molecular consequence: missense variant.
Genome position (GRCh38, 1-based): chr19:13,135,848, A>G. VCF-style: chr19-13135848-A-G. GRCh37 (hg19) VCF-style: chr19-13246662-A-G.
Other names: short protein forms N214S.
Identifiers: ClinVar variation 2819719 (VCV002819719.3), dbSNP rs2019696605, ClinGen allele CA404325809.

ClinVar aggregate classification (germline): Uncertain significance (1 of 4 stars; one submission).

Allele frequency attached by ClinVar (database versions not stated): gnomAD exomes below 0.00001.
gnomAD v4.1: 1 of 1,551,998 alleles (0.000064%); highest among the groups gnomAD compares: East Asian, 0.0024%; no homozygotes.

Submission:

Labcorp Genetics (formerly Invitae), Labcorp
Classification: Uncertain significance. Last evaluated: 2022-12-09. Review status: criteria provided, single submitter. Criteria: Invitae Variant Classification Sherloc (09022015). Collection method: clinical testing. Allele origin: germline.
Comment: Advanced modeling of protein sequence and biophysical properties (such as structural, functional, and spatial information, amino acid conservation, physicochemical variation, residue mobility, and thermodynamic stability) performed at Invitae indicates that this missense variant is not expected to disrupt NACC1 protein function. This variant has not been reported in the literature in individuals affected with NACC1-related conditions. This variant is not present in population databases (gnomAD no frequency). This sequence change replaces asparagine, which is neutral and polar, with serine, which is neutral and polar, at codon 214 of the NACC1 protein (p.Asn214Ser). In summary, the available evidence is currently insufficient to determine the role of this variant in disease. Therefore, it has been classified as a Variant of Uncertain Significance.